The following is an entry in ClinVar:

NM_000238.4(KCNH2):c.1675C>T (p.Leu559Phe)

Gene: KCNH2 (potassium voltage-gated channel subfamily H member 2; minus strand). Cytogenetic location: 7q36.1.
Variant type: single nucleotide variant.
Coding change: c.1675C>T on transcript NM_000238.4 (MANE Select); coding-DNA position 1675, C replaced by T.
Protein change: p.Leu559Phe; replaces leucine 559 with phenylalanine.
Molecular consequence: missense variant.
Genome position (GRCh38, 1-based): chr7:150,951,718, G>A on the plus strand (C>T on the coding strand, the complement: KCNH2 is on the minus strand). VCF-style: chr7-150951718-G-A. GRCh37 (hg19) VCF-style: chr7-150648806-G-A.
Other names: p.L559F:CTC>TTC; c.655C>T, p.Leu219Phe (NM_001204798.2, NM_172057.3); c.1387C>T, p.Leu463Phe (NM_001406753.1, NM_001406756.1); c.1498C>T, p.Leu500Phe (NM_001406755.1); c.1375C>T, p.Leu459Phe (NM_001406757.1); c.1675C>T, p.Leu559Phe (NM_172056.3); short protein forms L219F, L559F, L500F, L463F, L459F.
Identifiers: ClinVar variation 200363 (VCV000200363.6), dbSNP rs794728374, ClinGen allele CA004983.
Genomic context (GRCh38, chr7:150,951,718, plus strand): 5'-TGTGTGGCTGCTCCATGTTGCCGATGGCGTACCAGATGCAGGCTAGCCAGTGCGCGATGA[G>A]CGCAAAGGTGCACATGAGCAAGAACAGCACGGCCGCGCCGTACTCTGAGTAGCGATCCAG-3'
Protein context (NP_000229.1, residues 549-569): VLFLLMCTFA[Leu559Phe]IAHWLACIWY

ClinVar aggregate classification (germline): Conflicting classifications of pathogenicity. Review status: criteria provided, conflicting classifications (1 of 4 stars). 2 submissions from 2 submitters: Pathogenic (1); Uncertain significance (1). Last evaluated 2020-12-08.

Conditions:
Cardiovascular phenotype. Identifiers: MedGen CN230736.

Submissions (2):

Ambry Genetics
Classification: Uncertain significance for Cardiovascular phenotype. Last evaluated: 2020-12-08. Review status: criteria provided, single submitter. Criteria: Ambry Variant Classification Scheme 2023. Collection method: clinical testing. Allele origin: germline.
Comment: The p.L559F variant (also known as c.1675C>T), located in coding exon 7 of the KCNH2 gene, results from a C to T substitution at nucleotide position 1675. The leucine at codon 559 is replaced by phenylalanine, an amino acid with highly similar properties, and is located in the S5 domain. This alteration has been reported in a long QT syndrome (LQTS) cohort (Itoh H et al. Eur Heart J, 2016 May;37:1456-64). This amino acid position is highly conserved in available vertebrate species. In addition, this alteration is predicted to be deleterious by in silico analysis. Since supporting evidence is limited at this time, the clinical significance of this alteration remains unclear.

GeneDx
Classification: Pathogenic. Last evaluated: 2014-02-05. Review status: criteria provided, single submitter. Criteria: GeneDx Variant Classification (06012015). Collection method: clinical testing. Allele origin: germline. Affected: yes.
Comment: p.Leu559Phe (CTC>TTC): c.1675 C>T in exon 7 of the KCNH2 gene (NM_000238.2)While the L559F mutation in the KCNH2 gene has not been reported to our knowledge, a mutation affecting this same residue, L559H, has been reported in association with LQTS (Liu et al., 2002). Additionally, mutations in nearby residues (A558E, A558P, A561P, A561T, A561V) have been reported in association with LQTS, further supporting the functional importance of this residue and this region of the protein. L559F results in a conservative amino acid substitution as these residues share similar properties, and are least likely to impact secondary structure. The L559F residue is completely conserved across species and in silico analysis predicts L559F is damaging to the protein structure/function. Furthermore, L559F was not observed in approximately 6,500 individuals of European and African American ancestry in the NHLBI Exome Sequencing Project, indicating it is not a common benign variant in these populations.In summary, L559F in the KCNH2 gene is interpreted as a likely disease-causing mutation. The variant is found in LQT panel(s).

Literature cited by the submitters: PubMed 26715165 (cited by Ambry Genetics).